The following is an entry in ClinVar:

NM_001458.5(FLNC):c.7982G>A (p.Ser2661Asn)

Genes: FLNC (filamin C; plus strand), FLNC-AS1 (FLNC antisense RNA 1; minus strand). Cytogenetic location: 7q32.1.
Variant type: single nucleotide variant.
Coding change: c.7982G>A on transcript NM_001458.5 (MANE Select); coding-DNA position 7982, G replaced by A.
Protein change: p.Ser2661Asn; replaces serine 2661 with asparagine.
Molecular consequence: missense variant.
Genome position (GRCh38, 1-based): chr7:128,858,209, G>A. VCF-style: chr7-128858209-G-A. GRCh37 (hg19) VCF-style: chr7-128498263-G-A.
Other names: c.7883G>A, p.Ser2628Asn (NM_001127487.2); short protein forms S2628N, S2661N.
Identifiers: ClinVar variation 1761473 (VCV001761473.7), dbSNP rs781053612, ClinGen allele CA4476390.

ClinVar aggregate classification (germline): Uncertain significance. Review status: criteria provided, multiple submitters, no conflicts (2 of 4 stars). 3 submissions from 3 submitters: Uncertain significance (3). Last evaluated 2025-10-07.

Conditions:
Cardiovascular phenotype. Identifiers: MedGen CN230736.
Distal myopathy with posterior leg and anterior hand involvement. Also called: WILLIAMS DISTAL MYOPATHY. Identifiers: Orphanet 63273, MedGen C3279722, MONDO:0013550, OMIM 614065.
Hypertrophic cardiomyopathy 26. Also called: Cardiomyopathy, familial hypertrophic, 26. Identifiers: Orphanet 75249, MedGen C4310749, MONDO:0014883, OMIM 617047.
Myofibrillar myopathy 5. Also called: Filaminopathy (type); FILAMINOPATHY, AUTOSOMAL DOMINANT. Identifiers: Orphanet 171445, MedGen C1836050, MONDO:0012289, OMIM 609524.
FLNC-related disorder. Also called: FLNC-related condition; FLNC-related disorders.

Allele frequency attached by ClinVar (database versions not stated): gnomAD exomes below 0.00001; ExAC 0.00001.
gnomAD v4.1: 4 of 1,472,258 alleles (0.00027%); highest among the groups gnomAD compares: Admixed American, 0.0034%; no homozygotes.

Submissions (3):

Ambry Genetics
Classification: Uncertain significance for Cardiovascular phenotype. Last evaluated: 2025-10-07. Review status: criteria provided, single submitter. Criteria: Ambry Variant Classification Scheme 2023. Collection method: clinical testing. Allele origin: germline.

Labcorp Genetics (formerly Invitae), Labcorp
Classification: Uncertain significance for Distal myopathy with posterior leg and anterior hand involvement; Myofibrillar myopathy 5; Hypertrophic cardiomyopathy 26. Last evaluated: 2025-10-02. Review status: criteria provided, single submitter. Criteria: Invitae Variant Classification Sherloc (09022015). Collection method: clinical testing. Allele origin: germline.
Comment: This sequence change replaces serine, which is neutral and polar, with asparagine, which is neutral and polar, at codon 2661 of the FLNC protein (p.Ser2661Asn). This variant is present in population databases (rs781053612, gnomAD 0.003%). This variant has not been reported in the literature in individuals affected with FLNC-related conditions. ClinVar contains an entry for this variant (Variation ID: 1761473). Invitae Evidence Modeling of protein sequence and biophysical properties (such as structural, functional, and spatial information, amino acid conservation, physicochemical variation, residue mobility, and thermodynamic stability) indicates that this missense variant is not expected to disrupt FLNC protein function with a negative predictive value of 95%. In summary, the available evidence is currently insufficient to determine the role of this variant in disease. Therefore, it has been classified as a Variant of Uncertain Significance.

PreventionGenetics, part of Exact Sciences
Classification: Uncertain significance for FLNC-related condition. Last evaluated: 2025-07-21. Review status: criteria provided, single submitter. Criteria: ACMG Guidelines, 2015. Collection method: clinical testing. Allele origin: germline.
Comment: The FLNC c.7982G>A variant is predicted to result in the amino acid substitution p.Ser2661Asn. To our knowledge, this variant has not been reported in the literature. This variant is reported in 0.0033% of alleles in individuals of Latino descent in gnomAD. At this time, the clinical significance of this variant is uncertain due to the absence of conclusive functional and genetic evidence.